The following is an entry in ClinVar:

ClinVar aggregate classification (germline): Uncertain significance (1 of 4 stars; one submission).

Submission:

Labcorp Genetics (formerly Invitae), Labcorp
Classification: Uncertain significance. Last evaluated: 2023-09-03. Review status: criteria provided, single submitter. Criteria: Invitae Variant Classification Sherloc (09022015). Collection method: clinical testing. Allele origin: germline.
Comment: This variant is not present in population databases (gnomAD no frequency). This sequence change replaces asparagine, which is neutral and polar, with aspartic acid, which is acidic and polar, at codon 18 of the RPL31 protein (p.Asn18Asp). This variant has not been reported in the literature in individuals affected with RPL31-related conditions. An algorithm developed to predict the effect of missense changes on protein structure and function (PolyPhen-2) suggests that this variant is likely to be tolerated. In summary, the available evidence is currently insufficient to determine the role of this variant in disease. Therefore, it has been classified as a Variant of Uncertain Significance.

NM_000993.5(RPL31):c.52A>G (p.Asn18Asp)

Gene: RPL31 (ribosomal protein L31; plus strand). Cytogenetic location: 2q11.2.
Variant type: single nucleotide variant.
Coding change: c.52A>G on transcript NM_000993.5 (MANE Select); coding-DNA position 52, A replaced by G.
Protein change: p.Asn18Asp; replaces asparagine 18 with aspartic acid.
Molecular consequence: missense variant.
Genome position (GRCh38, 1-based): chr2:101,002,753, A>G. VCF-style: chr2-101002753-A-G. GRCh37 (hg19) VCF-style: chr2-101619215-A-G.
Other names: c.52A>G, p.Asn18Asp (NM_001098578.1, NM_001099693.2, NM_001098577.3); short protein forms N18D.
Identifiers: ClinVar variation 2757524 (VCV002757524.3), dbSNP rs2466868906, ClinGen allele CA347900897.